The following is an entry in ClinVar:

ClinVar aggregate classification (germline): Conflicting classifications of pathogenicity. Review status: criteria provided, conflicting classifications (1 of 4 stars). 3 submissions from 3 submitters: Uncertain significance (1); Likely benign (2). Last evaluated 2024-03-24.

Conditions:
Inborn genetic diseases. Identifiers: MedGen C0950123, MeSH D030342.

Allele frequency attached by ClinVar (database versions not stated): 1000 Genomes Project 30x 0.00031; 1000 Genomes Project 0.00040.

Submissions (3):

Labcorp Genetics (formerly Invitae), Labcorp
Classification: Uncertain significance. Last evaluated: 2024-03-24. Review status: criteria provided, single submitter. Criteria: Invitae Variant Classification Sherloc (09022015). Collection method: clinical testing. Allele origin: germline.
Comment: This sequence change replaces aspartic acid, which is acidic and polar, with histidine, which is basic and polar, at codon 197 of the SOX11 protein (p.Asp197His). This variant is present in population databases (rs564494780, gnomAD 0.07%), and has an allele count higher than expected for a pathogenic variant. This variant has not been reported in the literature in individuals affected with SOX11-related conditions. ClinVar contains an entry for this variant (Variation ID: 2256188). Advanced modeling of protein sequence and biophysical properties (such as structural, functional, and spatial information, amino acid conservation, physicochemical variation, residue mobility, and thermodynamic stability) performed at Invitae indicates that this missense variant is not expected to disrupt SOX11 protein function with a negative predictive value of 80%. In summary, the available evidence is currently insufficient to determine the role of this variant in disease. Therefore, it has been classified as a Variant of Uncertain Significance.

Blueprint Genetics
Classification: Likely benign. Last evaluated: 2023-09-11. Review status: criteria provided, single submitter. Criteria: ACMG Guidelines, 2015. Collection method: clinical testing. Allele origin: germline.

Ambry Genetics
Classification: Likely benign for Inborn genetic diseases. Last evaluated: 2021-10-20. Review status: criteria provided, single submitter. Criteria: Ambry Variant Classification Scheme 2023. Collection method: clinical testing. Allele origin: germline.

NM_003108.4(SOX11):c.589G>C (p.Asp197His)

Gene: SOX11 (SRY-box transcription factor 11; plus strand). Cytogenetic location: 2p25.2.
Variant type: single nucleotide variant.
Coding change: c.589G>C on transcript NM_003108.4 (MANE Select); coding-DNA position 589, G replaced by C.
Protein change: p.Asp197His; replaces aspartic acid 197 with histidine.
Molecular consequence: missense variant.
Genome position (GRCh38, 1-based): chr2:5,693,310, G>C. VCF-style: chr2-5693310-G-C. GRCh37 (hg19) VCF-style: chr2-5833442-G-C.
Other names: short protein forms D197H.
Identifiers: ClinVar variation 2256188 (VCV002256188.5), dbSNP rs564494780, ClinGen allele CA1517861.
Genomic context (GRCh38, chr2:5,693,310, plus strand): 5'-GGCGCCAAGGCGGGCGCGGGCAAGGCGGCCCAGTCCGGGGACTACGGGGGCGCGGGCGAC[G>C]ACTACGTGCTGGGCAGCCTGCGCGTGAGCGGCTCGGGCGGCGGCGGCGCGGGCAAGACGG-3'
Protein context (NP_003099.1, residues 187-207): QSGDYGGAGD[Asp197His]YVLGSLRVSG